The following is an entry in ClinVar:

ClinVar aggregate classification (germline): Conflicting classifications of pathogenicity. Review status: criteria provided, conflicting classifications (1 of 4 stars). 4 submissions from 4 submitters: Uncertain significance (1); Likely benign (3). Last evaluated 2026-08-27.

Conditions:
NBN-related disorder. Also called: NBN-related condition.
Microcephaly, normal intelligence and immunodeficiency (NBS). Also called: Immunodeficiency, microcephaly with normal intelligence; SEEMANOVA SYNDROME II; BERLIN BREAKAGE SYNDROME; IMMUNODEFICIENCY, MICROCEPHALY, AND CHROMOSOMAL INSTABILITY; Ataxia telangiectasia variant V1; Nijmegen breakage syndrome. Identifiers: Orphanet 647, MedGen C0398791, MONDO:0009623, OMIM 251260.

Allele frequency attached by ClinVar (database versions not stated): gnomAD exomes below 0.00001.
gnomAD v4.1: 4 of 1,612,382 alleles (0.00025%); highest among the groups gnomAD compares: East Asian, 0.0022%; no homozygotes.

Submissions (4):

PreventionGenetics, part of Exact Sciences
Classification: Likely benign for NBN-related condition. Last evaluated: 2026-08-27. Review status: criteria provided, single submitter. Criteria: ACMG Guidelines, 2015. Collection method: clinical testing. Allele origin: germline.
Comment: This variant is classified as likely benign based on ACMG/AMP sequence variant interpretation guidelines (Richards et al. 2015 PMID: 25741868, with internal and published modifications).

Labcorp Genetics (formerly Invitae), Labcorp
Classification: Likely benign for Microcephaly, normal intelligence and immunodeficiency. Last evaluated: 2023-11-07. Review status: criteria provided, single submitter. Criteria: Invitae Variant Classification Sherloc (09022015). Collection method: clinical testing. Allele origin: germline.

Genome-Nilou Lab
Classification: Uncertain significance for Microcephaly, normal intelligence and immunodeficiency. Last evaluated: 2021-11-07. Review status: criteria provided, single submitter. Criteria: ACMG Guidelines, 2015. Collection method: clinical testing. Allele origin: germline. Affected: no.

GeneDx
Classification: Likely benign. Last evaluated: 2017-03-11. Review status: criteria provided, single submitter. Criteria: GeneDx Variant Classification (06012015). Collection method: clinical testing. Allele origin: germline. Affected: yes.
Comment: This variant is considered likely benign or benign based on one or more of the following criteria: it is a conservative change, it occurs at a poorly conserved position in the protein, it is predicted to be benign by multiple in silico algorithms, and/or has population frequency not consistent with disease.

NM_002485.5(NBN):c.37+8C>T

Gene: NBN (nibrin; minus strand). Cytogenetic location: 8q21.3.
Variant type: single nucleotide variant.
Coding change: c.37+8C>T on transcript NM_002485.5 (MANE Select); 8 bases into the intron after coding-DNA position 37, C replaced by T.
Molecular consequence: intron variant.
Genome position (GRCh38, 1-based): chr8:89,984,517, G>A on the plus strand (C>T on the coding strand, the complement: NBN is on the minus strand). VCF-style: chr8-89984517-G-A. GRCh37 (hg19) VCF-style: chr8-90996745-G-A.
Other names: c.-260+8C>T (NM_001024688.3).
Identifiers: ClinVar variation 492117 (VCV000492117.13), dbSNP rs1554569655, ClinGen allele CA461831591.